The following is an entry in ClinVar:

ClinVar aggregate classification (germline): Pathogenic. Review status: criteria provided, single submitter (1 of 4 stars). 2 submissions from 2 submitters: Pathogenic (1). 1 of the submissions does not count toward it. Last evaluated 2025-12-19.

Conditions:
Inborn genetic diseases. Identifiers: MedGen C0950123, MeSH D030342.
Dihydropyrimidine dehydrogenase deficiency (DPYDD). Also called: Hereditary Thymine-Uraciluria; DPD DEFICIENCY; DPYD DEFICIENCY. Identifiers: Orphanet 1675, MedGen C1959620, MONDO:0010130, OMIM 274270.

Submissions (2):

Ambry Genetics
Classification: Pathogenic for Inborn genetic diseases. Last evaluated: 2025-12-19. Review status: criteria provided, single submitter. Criteria: Ambry Variant Classification Scheme 2023. Collection method: clinical testing. Allele origin: germline.
Comment: The c.2003delA (p.N668Ifs*43) alteration, located in exon 16 (coding exon 16) of the DPYD gene, consists of a deletion of one nucleotide at position 2003, causing a translational frameshift with a predicted alternate stop codon after 43 amino acids. This alteration is expected to result in loss of function by premature protein truncation or nonsense-mediated mRNA decay. This variant was not reported in population-based cohorts in the Genome Aggregation Database (gnomAD). Based on the available evidence, this alteration is classified as pathogenic.

Counsyl
Classification: Likely pathogenic for Dihydropyrimidine dehydrogenase deficiency. Last evaluated: 2016-07-18. Review status: no assertion criteria provided. Collection method: clinical testing. Allele origin: unknown. Not counted in ClinVar's aggregate classification.

NM_000110.4(DPYD):c.2003del (p.Asn668fs)

Gene: DPYD (dihydropyrimidine dehydrogenase; minus strand). Cytogenetic location: 1p21.3.
Variant type: Deletion.
Coding change: c.2003del on transcript NM_000110.4 (MANE Select); coding-DNA position 2003, one base deleted (A; older notation c.2003delA).
Protein change: p.Asn668fs; shifts the reading frame from asparagine 668.
Molecular consequence: frameshift variant.
Genome position (GRCh38, 1-based): chr1:97,373,616, T deleted on the plus strand (A on the coding strand, the reverse complement: DPYD is on the minus strand); the first of 3 consecutive T bases (chr1:97,373,616-97,373,618); deleting any one gives the same sequence. VCF-style (leftmost placement, unchanged base first): chr1-97373615-AT-A. GRCh37 (hg19) VCF-style: chr1-97839171-AT-A.
Other names: c.2003delA (NM_000110.3); short protein forms N668fs.
Identifiers: ClinVar variation 371160 (VCV000371160.4), dbSNP rs1057517055, ClinGen allele CA16040798.
Genomic context (GRCh38, chr1:97,373,615, plus strand): 5'-CCTTACCTGCCCACAGGCCAGGCCCATTCCTCTTTCTCCCATGCCATGTGGACATGATAA[AT>A]TTAACTCCAGGGCATCTGCTCCAGAATCCTTTAAACAAGAAAGGAAAATGAAAGAAAAGG-3'